The following is an entry in ClinVar:

NM_000217.3(KCNA1):c.1456G>T (p.Val486Phe)

Gene: KCNA1 (potassium voltage-gated channel subfamily A member 1; plus strand). Cytogenetic location: 12p13.32.
Variant type: single nucleotide variant.
Coding change: c.1456G>T on transcript NM_000217.3 (MANE Select); coding-DNA position 1456, G replaced by T.
Protein change: p.Val486Phe; replaces valine 486 with phenylalanine.
Molecular consequence: missense variant.
Genome position (GRCh38, 1-based): chr12:4,912,834, G>T. VCF-style: chr12-4912834-G-T. GRCh37 (hg19) VCF-style: chr12-5022000-G-T.
Other names: short protein forms V486F.
Identifiers: ClinVar variation 1919150 (VCV001919150.2), dbSNP rs766403463, ClinGen allele CA383456827.

ClinVar aggregate classification (germline): Uncertain significance (1 of 4 stars; one submission).

Conditions:
Episodic ataxia type 1 (EA1). Also called: ATAXIA, EPISODIC, WITH MYOKYMIA; Episodic ataxia/myokymia syndrome; MYOKYMIA WITH PERIODIC ATAXIA; PAROXYSMAL ATAXIA WITH NEUROMYOTONIA, HEREDITARY. Identifiers: Orphanet 37612, Orphanet 972, MedGen C1719788, MONDO:0008047, OMIM 160120.

Submission:

Labcorp Genetics (formerly Invitae), Labcorp
Classification: Uncertain significance for Episodic ataxia type 1. Last evaluated: 2021-08-27. Review status: criteria provided, single submitter. Criteria: Invitae Variant Classification Sherloc (09022015). Collection method: clinical testing. Allele origin: germline.
Comment: This sequence change replaces valine with phenylalanine at codon 486 of the KCNA1 protein (p.Val486Phe). The valine residue is highly conserved and there is a small physicochemical difference between valine and phenylalanine. This variant is not present in population databases (ExAC no frequency). This variant has not been reported in the literature in individuals affected with KCNA1-related conditions. Algorithms developed to predict the effect of missense changes on protein structure and function are either unavailable or do not agree on the potential impact of this missense change (SIFT: "Deleterious"; PolyPhen-2: "Probably Damaging"; Align-GVGD: "Class C0"). In summary, the available evidence is currently insufficient to determine the role of this variant in disease. Therefore, it has been classified as a Variant of Uncertain Significance.